The following is an entry in ClinVar:

NM_006904.7(PRKDC):c.2137G>A (p.Glu713Lys)

Gene: PRKDC (protein kinase, DNA-activated, catalytic subunit; minus strand). Cytogenetic location: 8q11.21.
Variant type: single nucleotide variant.
Coding change: c.2137G>A on transcript NM_006904.7 (MANE Select); coding-DNA position 2137, G replaced by A.
Protein change: p.Glu713Lys; replaces glutamic acid 713 with lysine.
Molecular consequence: missense variant.
Genome position (GRCh38, 1-based): chr8:47,929,094, C>T on the plus strand (G>A on the coding strand, the complement: PRKDC is on the minus strand). VCF-style: chr8-47929094-C-T. GRCh37 (hg19) VCF-style: chr8-48841654-C-T.
Other names: c.2137G>A, p.Glu713Lys (NM_001081640.2); short protein forms E713K.
Identifiers: ClinVar variation 3425317 (VCV003425317.1).

ClinVar aggregate classification (germline): Uncertain significance (1 of 4 stars; one submission).

Submission:

Ambry Genetics
Classification: Uncertain significance. Last evaluated: 2024-09-01. Review status: criteria provided, single submitter. Criteria: Ambry Variant Classification Scheme 2023. Collection method: clinical testing. Allele origin: germline.
Comment: The p.E713K variant (also known as c.2137G>A), located in coding exon 19 of the PRKDC gene, results from a G to A substitution at nucleotide position 2137. The glutamic acid at codon 713 is replaced by lysine, an amino acid with similar properties. This amino acid position is conserved. In addition, the in silico prediction for this alteration is inconclusive. Based on the available evidence, the clinical significance of this variant remains unclear.